The following is an entry in ClinVar:

ClinVar aggregate classification (germline): Uncertain significance (1 of 4 stars; one submission).

Allele frequency attached by ClinVar (database versions not stated): TOPMed below 0.00001; gnomAD 0.00001; 1000 Genomes Project 30x 0.00016; 1000 Genomes Project 0.00020.
gnomAD v4.1: 2 of 1,512,194 alleles (0.00013%); highest among the groups gnomAD compares: African/African-American, 0.0028%; no homozygotes.

Submission:

Labcorp Genetics (formerly Invitae), Labcorp
Classification: Uncertain significance. Last evaluated: 2020-10-14. Review status: criteria provided, single submitter. Criteria: Invitae Variant Classification Sherloc (09022015). Collection method: clinical testing. Allele origin: germline.
Comment: In summary, the available evidence is currently insufficient to determine the role of this variant in disease. Therefore, it has been classified as a Variant of Uncertain Significance. Algorithms developed to predict the effect of missense changes on protein structure and function are either unavailable or do not agree on the potential impact of this missense change (SIFT: "Deleterious"; PolyPhen-2: "Not Available"; Align-GVGD: "Class C0"). This variant has not been reported in the literature in individuals with PDZD7-related conditions. The frequency data for this variant in the population databases is considered unreliable, as metrics indicate insufficient coverage at this position in the ExAC database. This sequence change replaces glycine with alanine at codon 916 of the PDZD7 protein (p.Gly916Ala). The glycine residue is weakly conserved and there is a small physicochemical difference between glycine and alanine.

NM_001195263.2(PDZD7):c.2747G>C (p.Gly916Ala)

Gene: PDZD7 (PDZ domain containing 7; minus strand). Cytogenetic location: 10q24.31.
Variant type: single nucleotide variant.
Coding change: c.2747G>C on transcript NM_001195263.2 (MANE Select); coding-DNA position 2747, G replaced by C.
Protein change: p.Gly916Ala; replaces glycine 916 with alanine.
Molecular consequence: missense variant.
Genome position (GRCh38, 1-based): chr10:101,008,822, C>G on the plus strand (G>C on the coding strand, the complement: PDZD7 is on the minus strand). VCF-style: chr10-101008822-C-G. GRCh37 (hg19) VCF-style: chr10-102768579-C-G.
Other names: short protein forms G916A.
Identifiers: ClinVar variation 1012048 (VCV001012048.9), dbSNP rs553455294, ClinGen allele CA212977401.